The following is an entry in ClinVar:

NM_001710.6(CFB):c.728A>T (p.Glu243Val)

Gene: CFB (complement factor B; plus strand). Cytogenetic location: 6p21.33.
Variant type: single nucleotide variant.
Coding change: c.728A>T on transcript NM_001710.6 (MANE Select); coding-DNA position 728, A replaced by T.
Protein change: p.Glu243Val; replaces glutamic acid 243 with valine.
Molecular consequence: missense variant.
Genome position (GRCh38, 1-based): chr6:31,947,811, A>T. VCF-style: chr6-31947811-A-T. GRCh37 (hg19) VCF-style: chr6-31915588-A-T.
Other names: short protein forms E243V.
Identifiers: ClinVar variation 2814559 (VCV002814559.3), dbSNP rs758028930, ClinGen allele CA3728128.

ClinVar aggregate classification (germline): Uncertain significance (1 of 4 stars; one submission).

Allele frequency attached by ClinVar (database versions not stated): ExAC 0.00001.
gnomAD v4.1: 1 of 1,613,722 alleles (0.000062%); highest among the groups gnomAD compares: Non-Finnish European, 0.000085%; no homozygotes.

Submission:

Labcorp Genetics (formerly Invitae), Labcorp
Classification: Uncertain significance. Last evaluated: 2023-06-21. Review status: criteria provided, single submitter. Criteria: Invitae Variant Classification Sherloc (09022015). Collection method: clinical testing. Allele origin: germline.
Comment: This sequence change replaces glutamic acid, which is acidic and polar, with valine, which is neutral and non-polar, at codon 243 of the CFB protein (p.Glu243Val). This variant is not present in population databases (gnomAD no frequency). This variant has not been reported in the literature in individuals affected with CFB-related conditions. Advanced modeling of protein sequence and biophysical properties (such as structural, functional, and spatial information, amino acid conservation, physicochemical variation, residue mobility, and thermodynamic stability) performed at Invitae indicates that this missense variant is expected to disrupt CFB protein function. In summary, the available evidence is currently insufficient to determine the role of this variant in disease. Therefore, it has been classified as a Variant of Uncertain Significance.